The following is an entry in ClinVar:

NM_001127222.2(CACNA1A):c.7426T>G (p.Tyr2476Asp)

Gene: CACNA1A (calcium voltage-gated channel subunit alpha1 A; minus strand). Cytogenetic location: 19p13.13.
Variant type: single nucleotide variant.
Coding change: c.7426T>G on transcript NM_001127222.2 (MANE Select); coding-DNA position 7426, T replaced by G.
Protein change: p.Tyr2476Asp; replaces tyrosine 2476 with aspartic acid.
Molecular consequence: missense variant. On other transcripts: 3 prime UTR variant (3).
Genome position (GRCh38, 1-based): chr19:13,207,408, A>C on the plus strand (T>G on the coding strand, the complement: CACNA1A is on the minus strand). VCF-style: chr19-13207408-A-C. GRCh37 (hg19) VCF-style: chr19-13318222-A-C.
Other names: c.*638T>G (NM_000068.4, NM_001127221.2, NM_001174080.2); c.7444T>G, p.Tyr2482Asp (NM_023035.3); short protein forms Y2476D, Y2482D.
Identifiers: ClinVar variation 3629761 (VCV003629761.1).

ClinVar aggregate classification (germline): Uncertain significance (1 of 4 stars; one submission).

gnomAD v4.1: 6 of 1,534,192 alleles (0.00039%); highest among the groups gnomAD compares: Non-Finnish European, 0.00052%; no homozygotes.

Submission:

Women's Health and Genetics/Laboratory Corporation of America, LabCorp
Classification: Uncertain significance. Last evaluated: 2024-11-08. Review status: criteria provided, single submitter. Criteria: LabCorp Variant Classification Summary - May 2015. Collection method: clinical testing. Allele origin: germline.
Comment: Variant summary: CACNA1A c.*638T>G is located in the untranslated mRNA region downstream of the termination codon. In a different transcript this variant corresponds to a missense change (NM_001127222.2: c.7426T>G (p.Tyr2476Asp)). The variant allele was found at a frequency of 3.9e-06 in 1527368 control chromosomes in the gnomAD database (v4.1 dataset). The available data on variant occurrences in the general population are insufficient to allow any conclusion about variant significance. To our knowledge, no occurrence of c.*638T>G in individuals affected with Epileptic Encephalopathy, Early Infantile, 42 and no experimental evidence demonstrating its impact on protein function have been reported. No submitters have cited clinical-significance assessments for this variant to ClinVar. Based on the evidence outlined above, the variant was classified as uncertain significance.